The following is an entry in ClinVar:

ClinVar aggregate classification (germline): Likely pathogenic (1 of 4 stars; one submission).

Conditions:
Cardiovascular phenotype. Identifiers: MedGen CN230736.

Submission:

Ambry Genetics
Classification: Likely pathogenic for Cardiovascular phenotype. Last evaluated: 2026-02-06. Review status: criteria provided, single submitter. Criteria: Ambry Variant Classification Scheme 2023. Collection method: clinical testing. Allele origin: germline.
Comment: The c.3385+2delT intronic variant, located in intron 19 of the TTN gene, results from a deletion of one nucleotide within intron 19 of the TTN gene. This exon is located in the near Z-disk region of the N2-B isoform of the titin protein and is constitutively expressed in TTN transcripts (percent spliced in or PSI 100%). This variant is considered to be rare based on population cohorts in the Genome Aggregation Database (gnomAD). This variant disrupts the canonical splice site and is expected to cause aberrant splicing, resulting in an abnormal protein or a transcript that is subject to nonsense-mediated mRNA decay. While loss of function variants in TTN are present in 1-3% of the general population, truncating variants (a category that includes canonical splice site variants) in the A-band are the most common cause of dilated cardiomyopathy (DCM) (Herman DS et al. N. Engl. J. Med., 2012 Feb;366:619-28; Roberts AM et al. Sci Transl Med, 2015 Jan;7:270ra6). TTN truncating variants encoded in constitutive exons (PSI >90%) have been found to be significantly associated with DCM regardless of their position in titin (Schafer S et al. Nat. Genet., 2017 01;49:46-53; Akhtar MM et al. Circ Heart Fail, 2020 Oct;13:e006832; Massier M et al. Clin Genet, 2025 Jan). Based on the majority of available evidence to date, this variant is likely to be pathogenic.

NM_001267550.2(TTN):c.3523+2del

Gene: TTN (titin; minus strand). Cytogenetic location: 2q31.2.
Variant type: Deletion.
Coding change: c.3523+2del on transcript NM_001267550.2 (MANE Select); the canonical splice donor site of the intron after coding-DNA position 3523, one base deleted (T; older notation c.3523+2delT).
Molecular consequence: splice donor variant.
Genome position (GRCh38, 1-based): chr2:178,781,119, A deleted on the plus strand (T on the coding strand, the reverse complement: TTN is on the minus strand). VCF-style (leftmost placement, unchanged base first): chr2-178781118-TA-T. GRCh37 (hg19) VCF-style: chr2-179645845-TA-T.
Other names: c.3385+2delT (NM_003319.4); c.3385+2del (NM_003319.4, NM_133437.4, NM_133432.3); c.3523+2del (NM_133378.4, NM_001256850.1, NM_133379.5).
Identifiers: ClinVar variation 4824739 (VCV004824739.1).